The following is an entry in ClinVar:

ClinVar aggregate classification (germline): Uncertain significance (0 of 4 stars; one submission).

Conditions:
NALCN-related disorder. Also called: NALCN-related disorders; NALCN-related condition.

Submission:

PreventionGenetics, part of Exact Sciences
Classification: Uncertain significance for NALCN-related condition. Last evaluated: 2023-10-27. Review status: no assertion criteria provided. Collection method: clinical testing. Allele origin: germline.
Comment: The NALCN c.3748T>C variant is predicted to result in the amino acid substitution p.Phe1250Leu. To our knowledge, this variant has not been reported in the literature or in a large population database, indicating this variant is rare. At this time, the clinical significance of this variant is uncertain due to the absence of conclusive functional and genetic evidence.

NM_052867.4(NALCN):c.3748T>C (p.Phe1250Leu)

Gene: NALCN (sodium leak channel, non-selective; minus strand). Cytogenetic location: 13q32.3.
Variant type: single nucleotide variant.
Coding change: c.3748T>C on transcript NM_052867.4 (MANE Select); coding-DNA position 3748, T replaced by C.
Protein change: p.Phe1250Leu; replaces phenylalanine 1250 with leucine.
Molecular consequence: missense variant.
Genome position (GRCh38, 1-based): chr13:101,082,826, A>G on the plus strand (T>C on the coding strand, the complement: NALCN is on the minus strand). VCF-style: chr13-101082826-A-G. GRCh37 (hg19) VCF-style: chr13-101735177-A-G.
Other names: c.3835T>C, p.Phe1279Leu (NM_001350748.2); c.3748T>C, p.Phe1250Leu (NM_001350749.2); c.3661T>C, p.Phe1221Leu (NM_001350750.2, NM_001350751.2); short protein forms F1221L, F1250L, F1279L.
Identifiers: ClinVar variation 3037406 (VCV003037406.2), dbSNP rs2501987026, ClinGen allele CA388651012.